The following is an entry in ClinVar:

ClinVar aggregate classification (germline): Likely benign (1 of 4 stars; one submission).

Submission:

CeGaT Center for Human Genetics Tuebingen
Classification: Likely benign. Last evaluated: 2023-02-01. Review status: criteria provided, single submitter. Criteria: CeGaT Center For Human Genetics Tuebingen Variant Classification Criteria Version 2. Collection method: clinical testing. Allele origin: germline. Affected: yes. Observed: 1 variant allele.
Comment: MAZ: BS2

NM_002383.4(MAZ):c.1314GGCAGCGGC[1] (p.Ala446_Ala448del)

Genes: MAZ (MYC associated zinc finger protein; plus strand), MVP-DT (MVP divergent transcript; minus strand). Cytogenetic location: 16p11.2.
Variant type: Microsatellite.
Coding change: c.1314GGCAGCGGC[1] on transcript NM_002383.4 (MANE Select); one copy of the 9-base unit GGCAGCGGC starting at c.1314; the reference has two copies in a row; one copy, 9 bases deleted.
Protein change: p.Ala446_Ala448del.
Molecular consequence: inframe deletion. On other transcripts: non-coding transcript variant (2), 3 prime UTR variant (1).
Genome position (GRCh38, 1-based): chr16:29,810,120-29,810,128, GGCAGCGGC deleted; deleting any 9 consecutive bases within chr16:29,810,109-29,810,128 gives the same sequence; the position shown is the placement nearest the transcript's 3' end. VCF-style (leftmost placement, unchanged base first): chr16-29810108-AGCGGCAGCG-A. GRCh37 (hg19) VCF-style: chr16-29821429-AGCGGCAGCG-A.
Other names: c.*57GGCAGCGGC[1] (NM_001042539.3); c.1245GGCAGCGGC[1], p.Ala423_Ala425del (NM_001276275.2); c.399GGCAGCGGC[1], p.Ala141_Ala143del (NM_001276276.2).
Identifiers: ClinVar variation 2646368 (VCV002646368.24), dbSNP rs1555501536, ClinGen allele CA7994249.